The following is an entry in ClinVar:

NM_002234.4(KCNA5):c.1210C>G (p.Leu404Val)

Gene: KCNA5 (potassium voltage-gated channel subfamily A member 5; plus strand). Cytogenetic location: 12p13.32.
Variant type: single nucleotide variant.
Coding change: c.1210C>G on transcript NM_002234.4 (MANE Select); coding-DNA position 1210, C replaced by G.
Protein change: p.Leu404Val; replaces leucine 404 with valine.
Molecular consequence: missense variant.
Genome position (GRCh38, 1-based): chr12:5,045,357, C>G. VCF-style: chr12-5045357-C-G. GRCh37 (hg19) VCF-style: chr12-5154523-C-G.
Other names: short protein forms L404V.
Identifiers: ClinVar variation 1698128 (VCV001698128.8), dbSNP rs886049576, ClinGen allele CA383465999.

ClinVar aggregate classification (germline): Uncertain significance. Review status: criteria provided, multiple submitters, no conflicts (2 of 4 stars). 2 submissions from 2 submitters: Uncertain significance (2). Last evaluated 2023-08-11.

Conditions:
Atrial fibrillation, familial, 7 (ATFB7). Identifiers: MedGen C2677106, MONDO:0012828, OMIM 612240.

Submissions (2):

GeneDx
Classification: Uncertain significance. Last evaluated: 2023-08-11. Review status: criteria provided, single submitter. Criteria: GeneDx Variant Classification Process June 2021. Collection method: clinical testing. Allele origin: germline.
Comment: Not observed at significant frequency in large population cohorts (gnomAD); In silico analysis supports that this missense variant has a deleterious effect on protein structure/function; Has not been previously published as pathogenic or benign to our knowledge

Labcorp Genetics (formerly Invitae), Labcorp
Classification: Uncertain significance for Atrial fibrillation, familial, 7. Last evaluated: 2022-01-04. Review status: criteria provided, single submitter. Criteria: Invitae Variant Classification Sherloc (09022015). Collection method: clinical testing. Allele origin: germline.
Comment: This sequence change replaces leucine, which is neutral and non-polar, with valine, which is neutral and non-polar, at codon 404 of the KCNA5 protein (p.Leu404Val). In summary, the available evidence is currently insufficient to determine the role of this variant in disease. Therefore, it has been classified as a Variant of Uncertain Significance. Algorithms developed to predict the effect of missense changes on protein structure and function (SIFT, PolyPhen-2, Align-GVGD) all suggest that this variant is likely to be disruptive. This variant has not been reported in the literature in individuals affected with KCNA5-related conditions. This variant is not present in population databases (gnomAD no frequency).